The following is an entry in ClinVar:

ClinVar aggregate classification (germline): Uncertain significance (1 of 4 stars; one submission).

Conditions:
Hypertrophic cardiomyopathy 14. Identifiers: MedGen C2750467, MONDO:0013197, OMIM 613251.

Allele frequency attached by ClinVar (database versions not stated): gnomAD exomes below 0.00001 and 0.00001; gnomAD 0.00001; TOPMed 0.00001.
gnomAD v4.1: 23 of 1,614,018 alleles (0.0014%); highest among the groups gnomAD compares: Non-Finnish European, 0.0019%; no homozygotes.

Submission:

Labcorp Genetics (formerly Invitae), Labcorp
Classification: Uncertain significance for Hypertrophic cardiomyopathy 14. Last evaluated: 2021-08-24. Review status: criteria provided, single submitter. Criteria: Invitae Variant Classification Sherloc (09022015). Collection method: clinical testing. Allele origin: germline.
Comment: This sequence change replaces aspartic acid with glutamic acid at codon 1316 of the MYH6 protein (p.Asp1316Glu). The aspartic acid residue is weakly conserved and there is a small physicochemical difference between aspartic acid and glutamic acid. This variant is not present in population databases (ExAC no frequency). This variant has not been reported in the literature in individuals affected with MYH6-related conditions. Algorithms developed to predict the effect of missense changes on protein structure and function are either unavailable or do not agree on the potential impact of this missense change (SIFT: "Tolerated"; PolyPhen-2: "Possibly Damaging"; Align-GVGD: "Class C0"). In summary, the available evidence is currently insufficient to determine the role of this variant in disease. Therefore, it has been classified as a Variant of Uncertain Significance.

NM_002471.4(MYH6):c.3948C>A (p.Asp1316Glu)

Gene: MYH6 (myosin heavy chain 6; minus strand). Cytogenetic location: 14q11.2.
Variant type: single nucleotide variant.
Coding change: c.3948C>A on transcript NM_002471.4 (MANE Select); coding-DNA position 3948, C replaced by A.
Protein change: p.Asp1316Glu; replaces aspartic acid 1316 with glutamic acid.
Molecular consequence: missense variant.
Genome position (GRCh38, 1-based): chr14:23,389,423, G>T on the plus strand (C>A on the coding strand, the complement: MYH6 is on the minus strand). VCF-style: chr14-23389423-G-T. GRCh37 (hg19) VCF-style: chr14-23858632-G-T.
Other names: short protein forms D1316E.
Identifiers: ClinVar variation 407158 (VCV000407158.6), dbSNP rs998323910, ClinGen allele CA16614074.
Genomic context (GRCh38, chr14:23,389,423, plus strand): 5'-AGCCTGCCCACCCTCCCCACTGGGCCTCACCTTGCCCTCCTCCTCCAGCTGCCTTTTGAG[G>T]TCCTCCATTTGCTGGGTATAAGAGAGCTTCCCCCGGGTCAGCTGCGAGATTAGCGCCTCC-3'
Protein context (NP_002462.2, residues 1306-1326): GKLSYTQQME[Asp1316Glu]LKRQLEEEGK